The following is an entry in ClinVar:

NM_000702.4(ATP1A2):c.2462A>G (p.Tyr821Cys)

Gene: ATP1A2 (ATPase Na+/K+ transporting subunit alpha 2; plus strand). Cytogenetic location: 1q23.2.
Variant type: single nucleotide variant.
Coding change: c.2462A>G on transcript NM_000702.4 (MANE Select); coding-DNA position 2462, A replaced by G.
Protein change: p.Tyr821Cys; replaces tyrosine 821 with cysteine.
Molecular consequence: missense variant.
Genome position (GRCh38, 1-based): chr1:160,136,269, A>G. VCF-style: chr1-160136269-A-G. GRCh37 (hg19) VCF-style: chr1-160106059-A-G.
Other names: short protein forms Y821C.
Identifiers: ClinVar variation 2504772 (VCV002504772.1), dbSNP rs2524889752, ClinGen allele CA343251209.

ClinVar aggregate classification (germline): Uncertain significance (1 of 4 stars; one submission).

Allele frequency attached by ClinVar (database versions not stated): gnomAD exomes below 0.00001.
gnomAD v4.1: 2 of 1,614,086 alleles (0.00012%); highest among the groups gnomAD compares: Non-Finnish European, 0.00017%; no homozygotes.

Submission:

GeneDx
Classification: Uncertain significance. Last evaluated: 2022-12-10. Review status: criteria provided, single submitter. Criteria: GeneDx Variant Classification Process June 2021. Collection method: clinical testing. Allele origin: germline. Affected: yes.
Comment: Not observed at significant frequency in large population cohorts (gnomAD); In silico analysis supports that this missense variant has a deleterious effect on protein structure/function; Has not been previously published as pathogenic or benign to our knowledge